The following is an entry in ClinVar:

ClinVar aggregate classification (germline): Uncertain significance. Review status: criteria provided, single submitter (1 of 4 stars). 2 submissions from 2 submitters: Uncertain significance (1). 1 of the submissions does not count toward it. Last evaluated 2021-12-09.

Conditions:
Bardet-Biedl syndrome 2 (BBS2). Identifiers: Orphanet 110, MedGen C2936863, MONDO:0014432, OMIM 615981.
Bardet-Biedl syndrome (BBS). Identifiers: Orphanet 110, MedGen C0752166, MONDO:0015229.

Allele frequency attached by ClinVar (database versions not stated): TOPMed below 0.00001; gnomAD exomes 0.00001; ExAC 0.00002.
gnomAD v4.1: 5 of 1,614,182 alleles (0.00031%); highest among the groups gnomAD compares: Admixed American, 0.0017%; no homozygotes.

Submissions (2):

Labcorp Genetics (formerly Invitae), Labcorp
Classification: Uncertain significance for Bardet-Biedl syndrome. Last evaluated: 2021-12-09. Review status: criteria provided, single submitter. Criteria: Invitae Variant Classification Sherloc (09022015). Collection method: clinical testing. Allele origin: germline.
Comment: This sequence change replaces phenylalanine, which is neutral and non-polar, with leucine, which is neutral and non-polar, at codon 423 of the BBS2 protein (p.Phe423Leu). This variant is present in population databases (rs754625376, gnomAD 0.003%). This variant has not been reported in the literature in individuals affected with BBS2-related conditions. Algorithms developed to predict the effect of missense changes on protein structure and function are either unavailable or do not agree on the potential impact of this missense change (SIFT: "Deleterious"; PolyPhen-2: "Probably Damaging"; Align-GVGD: "Class C15"). In summary, the available evidence is currently insufficient to determine the role of this variant in disease. Therefore, it has been classified as a Variant of Uncertain Significance.

Natera, Inc.
Classification: Uncertain significance for Bardet-Biedl syndrome type 2. Last evaluated: 2025-03-07. Review status: no assertion criteria provided. Collection method: clinical testing. Allele origin: germline. Not counted in ClinVar's aggregate classification.

NM_031885.5(BBS2):c.1267T>C (p.Phe423Leu)

Gene: BBS2 (Bardet-Biedl syndrome 2; minus strand). Cytogenetic location: 16q13.
Variant type: single nucleotide variant.
Coding change: c.1267T>C on transcript NM_031885.5 (MANE Select); coding-DNA position 1267, T replaced by C.
Protein change: p.Phe423Leu; replaces phenylalanine 423 with leucine.
Molecular consequence: missense variant. On other transcripts: non-coding transcript variant (2).
Genome position (GRCh38, 1-based): chr16:56,500,984, A>G on the plus strand (T>C on the coding strand, the complement: BBS2 is on the minus strand). VCF-style: chr16-56500984-A-G. GRCh37 (hg19) VCF-style: chr16-56534896-A-G.
Other names: c.1267T>C, p.Phe423Leu (NM_001377456.1); c.1267T>C (NM_031885.3); short protein forms F423L.
Identifiers: ClinVar variation 1503082 (VCV001503082.4), dbSNP rs754625376, ClinGen allele CA8065774.